The following is an entry in ClinVar:

NM_001384474.1(LOXHD1):c.5911G>A (p.Asp1971Asn)

Gene: LOXHD1 (lipoxygenase homology PLAT domains 1; minus strand). Cytogenetic location: 18q21.1.
Variant type: single nucleotide variant.
Coding change: c.5911G>A on transcript NM_001384474.1 (MANE Select); coding-DNA position 5911, G replaced by A.
Protein change: p.Asp1971Asn; replaces aspartic acid 1971 with asparagine.
Molecular consequence: missense variant.
Genome position (GRCh38, 1-based): chr18:46,489,110, C>T on the plus strand (G>A on the coding strand, the complement: LOXHD1 is on the minus strand). VCF-style: chr18-46489110-C-T. GRCh37 (hg19) VCF-style: chr18-44069073-C-T.
Other names: c.2578G>A, p.Asp860Asn (NM_001145472.3); c.628G>A, p.Asp210Asn (NM_001145473.3, NM_001173129.2); c.2290G>A, p.Asp764Asn (NM_001308013.2); c.5725G>A, p.Asp1909Asn (NM_144612.7); short protein forms D1909N, D210N, D764N, D860N, D1971N.
Identifiers: ClinVar variation 517269 (VCV000517269.6), dbSNP rs727504544, ClinGen allele CA299787011.
Genomic context (GRCh38, chr18:46,489,110, plus strand): 5'-TGGAGAGCCAGCAGTCACACTGGAAGTGGAAGGTCTCGTCGCGGGAGTTGTCCTTCACAT[C>T]GACATAGCTCAGATGCCAGCCAGGAAATATCCCTGTGGAAAAGACACCATGGGGGTTGGA-3'
Protein context (NP_001371403.1, residues 1961-1981): IFPGWHLSYV[Asp1971Asn]VKDNSRDETF

ClinVar aggregate classification (germline): Conflicting classifications of pathogenicity. Review status: criteria provided, conflicting classifications (1 of 4 stars). 3 submissions from 3 submitters: Uncertain significance (2); Likely benign (1). Last evaluated 2026-09-01.

Conditions:
LOXHD1-related disorder. Also called: LOXHD1-related condition.
Inborn genetic diseases. Identifiers: MedGen C0950123, MeSH D030342.

Allele frequency attached by ClinVar (database versions not stated): TOPMed 0.00002.
gnomAD v4.1: 22 of 1,551,538 alleles (0.0014%); highest among the groups gnomAD compares: Admixed American, 0.0059%; no homozygotes.

Submissions (3):

PreventionGenetics, part of Exact Sciences
Classification: Uncertain significance for LOXHD1-related condition. Last evaluated: 2026-09-01. Review status: criteria provided, single submitter. Criteria: ACMG Guidelines, 2015. Collection method: clinical testing. Allele origin: germline.
Comment: The LOXHD1 c.5725G>A variant is predicted to result in the amino acid substitution p.Asp1909Asn. To our knowledge, this variant has not been reported in the literature. This variant is reported in 0.0044% of alleles in individuals of South Asian descent in gnomAD. At this time, the clinical significance of this variant is uncertain due to the absence of conclusive functional and genetic evidence.

Ambry Genetics
Classification: Uncertain significance for Inborn genetic diseases. Last evaluated: 2024-06-17. Review status: criteria provided, single submitter. Criteria: Ambry Variant Classification Scheme 2023. Collection method: clinical testing. Allele origin: germline.

Laboratory for Molecular Medicine, Mass General Brigham Personalized Medicine
Classification: Likely benign. Last evaluated: 2017-03-07. Review status: criteria provided, single submitter. Criteria: LMM Criteria. Collection method: clinical testing. Allele origin: germline. Observed: 1 variant allele.
Comment: p.Asp1909Asn in exon 37 of LOXHD1: This variant is not expected to have clinical significance due to a lack of conservation across species, including mammals. O f note, 5 mammals (Pacific walrus, weddel seal, David's myotis bat, microbat and platypus) have an Asn at this position. It has been identified in 1/22822 South Asian chromosomes by the Genome Aggregation Database (gnomAD; dbSNP rs727504544).